The following is an entry in ClinVar:

ClinVar aggregate classification (germline): Pathogenic. Review status: criteria provided, multiple submitters, no conflicts (2 of 4 stars). 8 submissions from 8 submitters: Pathogenic (6). 2 of the submissions do not count toward it. Last evaluated 2025-01-20.

Conditions:
Irido-corneo-trabecular dysgenesis (ASGD5). Also called: ANTERIOR SEGMENT DYSGENESIS 5. Identifiers: Orphanet 708, MedGen C0344559, MONDO:0011414, OMIM 604229, HP:0000659.
Aniridia 1 (AN1). Identifiers: Orphanet 250923, MedGen C0344542, MONDO:0024507, OMIM 106210.

Submissions (8):

Labcorp Genetics (formerly Invitae), Labcorp
Classification: Pathogenic for Aniridia 1; Irido-corneo-trabecular dysgenesis. Last evaluated: 2025-01-20. Review status: criteria provided, single submitter. Criteria: Invitae Variant Classification Sherloc (09022015). Collection method: clinical testing. Allele origin: germline.
Comment: This sequence change creates a premature translational stop signal (p.Arg240*) in the PAX6 gene. It is expected to result in an absent or disrupted protein product. Loss-of-function variants in PAX6 are known to be pathogenic (PMID: 12634864). This variant is not present in population databases (gnomAD no frequency). This premature translational stop signal has been observed in individual(s) with aniridia (PMID: 19862335, 21423868, 21850189, 22692063, 23761016, 26849621, 27081502, 27455012). It has also been observed to segregate with disease in related individuals. Invitae Evidence Modeling of clinical and family history, age, sex, and reported ancestry of multiple individuals with this PAX6 variant has been performed. This variant is expected to be pathogenic with a positive predictive value of at least 99%. This is a validated machine learning model that incorporates the clinical features of 10,718 individuals referred to our laboratory for PAX6 testing. ClinVar contains an entry for this variant (Variation ID: 3467). Algorithms developed to predict the effect of sequence changes on RNA splicing suggest that this variant may disrupt the consensus splice site. For these reasons, this variant has been classified as Pathogenic.

3billion
Classification: Pathogenic for Irido-corneo-trabecular dysgenesis. Last evaluated: 2023-07-05. Review status: criteria provided, single submitter. Criteria: ACMG Guidelines, 2015. Collection method: clinical testing. Allele origin: germline. Affected: yes.
Comment: The variant is not observed in the gnomAD v2.1.1 dataset. Predicted Consequence/Location: Stop-gained (nonsense): predicted to result in a loss or disruption of normal protein function through nonsense-mediated decay (NMD) or protein truncation. Multiple pathogenic variants are reported downstream of the variant. The variant has been reported at least twice as pathogenic with clinical assertions and evidence for the classification (ClinVar ID: VCV000003467 /PMID: 1345175). Therefore, this variant is classified as Pathogenic according to the recommendation of ACMG/AMP guideline.

GeneDx
Classification: Pathogenic. Last evaluated: 2022-05-26. Review status: criteria provided, single submitter. Criteria: GeneDx Variant Classification Process June 2021. Collection method: clinical testing. Allele origin: germline. Affected: yes.
Comment: Nonsense variant predicted to result in protein truncation or nonsense mediated decay in a gene for which loss-of-function is a known mechanism of disease; Not observed in large population cohorts (gnomAD); This variant is associated with the following publications: (PMID: 26350204, 27381094, 27231702, 27081561, 27455012, 22692063, 12634864, 25525159, 7550230, 9482572, 19876904, 16803629, 1345175, 26849621, 27081502, 10887930, 21423868, 29901133, 19862335, 21850189, 23761016, 30221735, 32360764, 15740668, 33169869, 33494148, 34101622, 32467297)

Institute of Medical Genetics and Applied Genomics, University Hospital Tübingen
Classification: Pathogenic. Last evaluated: 2021-09-15. Review status: criteria provided, single submitter. Criteria: ACMG Guidelines, 2015. Collection method: clinical testing. Allele origin: germline. Inheritance: Autosomal dominant inheritance. Affected: yes.

Wessex Regional Genetics Laboratory, Salisbury District Hospital
Classification: Pathogenic for Aniridia 1. Last evaluated: 2019-08-15. Review status: criteria provided, single submitter. Criteria: ACMG Guidelines, 2015. Collection method: clinical testing. Allele origin: unknown, inherited, de novo. Inheritance: Autosomal dominant inheritance. Affected: yes. Observed: 12 variant alleles.

Clinical Genetics and Genomics, Karolinska University Hospital
Classification: Pathogenic. Last evaluated: 2014-05-28. Review status: criteria provided, single submitter. Criteria: ACMG Guidelines, 2015. Collection method: clinical testing. Allele origin: germline. Affected: yes. Observed: 3 variant alleles.

OMIM
Classification: Pathogenic for ANIRIDIA. Last evaluated: 2009-11-01. Review status: no assertion criteria provided. Collection method: literature only. Allele origin: germline. Not counted in ClinVar's aggregate classification.

Laboratory of Genetic Epidemiology, Research Centre for Medical Genetics
Classification: Pathogenic for Aniridia 1. Review status: no assertion criteria provided. Collection method: research. Allele origin: de novo. Inheritance: Autosomal dominant inheritance. Affected: yes. Observed: 5 heterozygotes. Not counted in ClinVar's aggregate classification.

Literature cited by the submitters: PubMed 12634864 (cited by Labcorp Genetics (formerly Invitae), Labcorp); PubMed 19862335 (cited by Labcorp Genetics (formerly Invitae), Labcorp); PubMed 21423868 (cited by Labcorp Genetics (formerly Invitae), Labcorp); PubMed 21850189 (cited by Labcorp Genetics (formerly Invitae), Labcorp); PubMed 22692063 (cited by Labcorp Genetics (formerly Invitae), Labcorp); PubMed 23761016 (cited by Labcorp Genetics (formerly Invitae), Labcorp); PubMed 26849621 (cited by Labcorp Genetics (formerly Invitae), Labcorp); PubMed 27081502 (cited by Labcorp Genetics (formerly Invitae), Labcorp); PubMed 27455012 (cited by Labcorp Genetics (formerly Invitae), Labcorp); PubMed 1345175 (cited by 3billion); PubMed 7550230 (cited by OMIM); PubMed 9482572 (cited by OMIM); PubMed 19876904 (cited by OMIM); PubMed 28321846 (cited by Laboratory of Genetic Epidemiology, Research Centre for Medical Genetics).

NM_001368894.2(PAX6):c.760C>T (p.Arg254Ter)

Gene: PAX6 (paired box 6; minus strand). Cytogenetic location: 11p13.
Variant type: single nucleotide variant.
Coding change: c.760C>T on transcript NM_001368894.2 (MANE Select); coding-DNA position 760, C replaced by T.
Protein change: p.Arg254Ter; replaces arginine 254 with a stop codon.
Molecular consequence: nonsense.
Genome position (GRCh38, 1-based): chr11:31,794,079, G>A on the plus strand (C>T on the coding strand, the complement: PAX6 is on the minus strand). VCF-style: chr11-31794079-G-A. GRCh37 (hg19) VCF-style: chr11-31815627-G-A.
Other names: c.718C>T, p.Arg240Ter (NM_000280.6, NM_001127612.3, NM_001258464.2 and 10 more transcripts); c.760C>T, p.Arg254Ter (NM_001258462.3, NM_001258463.2, NM_001310158.2 and 6 more transcripts); c.310C>T, p.Arg104Ter (NM_001310160.2, NM_001310161.3, NM_001368899.2 and 11 more transcripts); c.961C>T, p.Arg321Ter (NM_001368910.2); c.763C>T, p.Arg255Ter (NM_001368911.2); c.835C>T, p.Arg279Ter (NM_001368918.2, NM_001368919.2); c.793C>T, p.Arg265Ter (NM_001368920.2); c.559C>T, p.Arg187Ter (NM_001368921.2, NM_001368922.2, NM_001368923.2 and 4 more transcripts); and 2 more; short protein forms R240*, R254*, R187*, R39*, R104*, R173*, R279*, R255*.
Identifiers: ClinVar variation 3467 (VCV000003467.18), dbSNP rs121907917, ClinGen allele CA252793.